The following is an entry in ClinVar:

ClinVar aggregate classification (germline): Likely benign (1 of 4 stars; one submission).

Allele frequency attached by ClinVar (database versions not stated): TOPMed 0.00009; gnomAD exomes 0.00010; ExAC 0.00015; gnomAD 0.00017.
gnomAD v4.1: 184 of 1,613,492 alleles (0.011%); highest among the groups gnomAD compares: South Asian, 0.013%; 1 homozygote.

Submission:

CeGaT Center for Human Genetics Tuebingen
Classification: Likely benign. Last evaluated: 2023-11-01. Review status: criteria provided, single submitter. Criteria: CeGaT Center For Human Genetics Tuebingen Variant Classification Criteria Version 2. Collection method: clinical testing. Allele origin: germline. Affected: yes. Observed: 1 variant allele.
Comment: FAT3: BP4, BP7

NM_001367949.2(FAT3):c.6489C>T (p.Gly2163=)

Gene: FAT3 (FAT atypical cadherin 3; plus strand). Cytogenetic location: 11q14.3.
Variant type: single nucleotide variant.
Coding change: c.6489C>T on transcript NM_001367949.2 (MANE Select); coding-DNA position 6489, C replaced by T.
Protein change: p.Gly2163=; no amino-acid change (glycine 2163 retained).
Molecular consequence: synonymous variant.
Genome position (GRCh38, 1-based): chr11:92,799,502, C>T. VCF-style: chr11-92799502-C-T. GRCh37 (hg19) VCF-style: chr11-92532668-C-T.
Other names: c.6489C>T, p.Gly2163= (NM_001008781.3).
Identifiers: ClinVar variation 2642274 (VCV002642274.24), dbSNP rs567727461, ClinGen allele CA6227300.
Genomic context (GRCh38, chr11:92,799,502, plus strand): 5'-AGCATTCAACTCTGACTTGTCCAACATTGAGTATGGAGTCACCATCCTAGCCAAGGATGG[C>T]GGAAAACCTTCTTTGTCTACATCTGTGGAGCTTCCCATCACTATTGTCAACAAAGCAATG-3'
Protein context (NP_001354878.1, residues 2153-2173): EYGVTILAKD[Gly2163=]GKPSLSTSVE